The following is an entry in ClinVar:

NM_001079866.2(BCS1L):c.703G>C (p.Gly235Arg)

Gene: BCS1L (BCS1 ubiquinol-cytochrome c reductase complex chaperone; plus strand). Cytogenetic location: 2q35.
Variant type: single nucleotide variant.
Coding change: c.703G>C on transcript NM_001079866.2 (MANE Select); coding-DNA position 703, G replaced by C.
Protein change: p.Gly235Arg; replaces glycine 235 with arginine.
Molecular consequence: missense variant. On other transcripts: non-coding transcript variant (1).
Genome position (GRCh38, 1-based): chr2:218,662,244, G>C. VCF-style: chr2-218662244-G-C. GRCh37 (hg19) VCF-style: chr2-219526967-G-C.
Other names: c.703G>C, p.Gly235Arg (NM_001257342.2, NM_001257343.2, NM_001257344.2 and 10 more transcripts); c.343G>C, p.Gly115Arg (NM_001318836.2, NM_001371451.1); c.202G>C, p.Gly68Arg (NM_001371452.1, NM_001371453.1, NM_001371454.1 and 3 more transcripts); short protein forms G68R, G235R, G115R.
Identifiers: ClinVar variation 1442140 (VCV001442140.8), dbSNP rs368486097, ClinGen allele CA2109731.

ClinVar aggregate classification (germline): Pathogenic/Likely pathogenic. Review status: criteria provided, multiple submitters, no conflicts (2 of 4 stars). 3 submissions from 3 submitters: Pathogenic (1); Likely pathogenic (2). Last evaluated 2024-03-31.

Conditions:
Pili torti-deafness syndrome (BJS). Also called: Bjornstad syndrome; PILI TORTI AND NERVE DEAFNESS. Identifiers: Orphanet 123, MedGen C0266006, MONDO:0009872, OMIM 262000.
Mitochondrial complex III deficiency nuclear type 1. Identifiers: Orphanet 254902, MedGen C3541471, MONDO:0007415, OMIM 124000.
GRACILE syndrome (FLNMS). Also called: FELLMAN SYNDROME; FINNISH LETHAL NEONATAL METABOLIC SYNDROME. Identifiers: Orphanet 53693, MedGen C1864002, MONDO:0011308, OMIM 603358.
BCS1L-related disorder. Also called: BCS1L-related disorders; BCS1L-related condition. Identifiers: MedGen CN239240.

Allele frequency attached by ClinVar (database versions not stated): gnomAD 0.00006; ESP Exome Variant Server 0.00008.
gnomAD v4.1: 34 of 1,613,914 alleles (0.0021%); highest among the groups gnomAD compares: African/African-American, 0.004%; no homozygotes.

Submissions (3):

Fulgent Genetics
Classification: Likely pathogenic for Mitochondrial complex III deficiency nuclear type 1; Pili torti-deafness syndrome; GRACILE syndrome. Last evaluated: 2024-03-31. Review status: criteria provided, single submitter. Criteria: ACMG Guidelines, 2015. Collection method: clinical testing. Allele origin: germline.

Labcorp Genetics (formerly Invitae), Labcorp
Classification: Pathogenic. Last evaluated: 2024-03-28. Review status: criteria provided, single submitter. Criteria: Invitae Variant Classification Sherloc (09022015). Collection method: clinical testing. Allele origin: germline.
Comment: This sequence change replaces glycine, which is neutral and non-polar, with arginine, which is basic and polar, at codon 235 of the BCS1L protein (p.Gly235Arg). This variant is present in population databases (rs368486097, gnomAD 0.004%). This missense change has been observed in individual(s) with Bjornstad syndrome (PMID: 28322498). In at least one individual the data is consistent with being in trans (on the opposite chromosome) from a pathogenic variant. It has also been observed to segregate with disease in related individuals. ClinVar contains an entry for this variant (Variation ID: 1442140). Advanced modeling of protein sequence and biophysical properties (such as structural, functional, and spatial information, amino acid conservation, physicochemical variation, residue mobility, and thermodynamic stability) performed at Invitae indicates that this missense variant is expected to disrupt BCS1L protein function with a positive predictive value of 95%. For these reasons, this variant has been classified as Pathogenic.

Blueprint Genetics
Classification: Likely pathogenic for BCS1L-related disorders. Last evaluated: 2022-02-02. Review status: criteria provided, single submitter. Criteria: ACMG Guidelines, 2015. Collection method: clinical testing. Allele origin: germline. Affected: yes. Observed: 1 variant allele.

Literature cited by the submitters: PubMed 28322498 (cited by Labcorp Genetics (formerly Invitae), Labcorp).